The following is an entry in ClinVar:

NM_002067.5(GNA11):c.23C>T (p.Ala8Val)

Gene: GNA11 (G protein subunit alpha 11; plus strand). Cytogenetic location: 19p13.3.
Variant type: single nucleotide variant.
Coding change: c.23C>T on transcript NM_002067.5 (MANE Select); coding-DNA position 23, C replaced by T.
Protein change: p.Ala8Val; replaces alanine 8 with valine.
Molecular consequence: missense variant.
Genome position (GRCh38, 1-based): chr19:3,094,674, C>T. VCF-style: chr19-3094674-C-T. GRCh37 (hg19) VCF-style: chr19-3094672-C-T.
Other names: short protein forms A8V.
Identifiers: ClinVar variation 1362827 (VCV001362827.8), dbSNP rs141078172, ClinGen allele CA9074691.

ClinVar aggregate classification (germline): Uncertain significance (1 of 4 stars; one submission).

Allele frequency attached by ClinVar (database versions not stated): gnomAD exomes below 0.00001; TOPMed below 0.00001; ExAC 0.00001; ESP Exome Variant Server 0.00008.
gnomAD v4.1: 7 of 1,562,328 alleles (0.00045%); highest among the groups gnomAD compares: Non-Finnish European, 0.00052%; no homozygotes.

Submission:

Labcorp Genetics (formerly Invitae), Labcorp
Classification: Uncertain significance. Last evaluated: 2023-10-14. Review status: criteria provided, single submitter. Criteria: Invitae Variant Classification Sherloc (09022015). Collection method: clinical testing. Allele origin: germline.
Comment: This sequence change replaces alanine, which is neutral and non-polar, with valine, which is neutral and non-polar, at codon 8 of the GNA11 protein (p.Ala8Val). The frequency data for this variant in the population databases is considered unreliable, as metrics indicate poor data quality at this position in the gnomAD database. This variant has not been reported in the literature in individuals affected with GNA11-related conditions. ClinVar contains an entry for this variant (Variation ID: 1362827). An algorithm developed to predict the effect of missense changes on protein structure and function (PolyPhen-2) suggests that this variant is likely to be tolerated. In summary, the available evidence is currently insufficient to determine the role of this variant in disease. Therefore, it has been classified as a Variant of Uncertain Significance.